The following is an entry in ClinVar:

ClinVar aggregate classification (germline): Pathogenic. Review status: reviewed by expert panel (3 of 4 stars). 5 submissions from 5 submitters: Pathogenic (1). 4 of the submissions do not count toward it. Last evaluated 2016-10-18.

Conditions:
Hereditary cancer-predisposing syndrome. Also called: Neoplastic Syndromes, Hereditary; Tumor predisposition; Hereditary Cancer Syndrome; Hereditary neoplastic syndrome. Identifiers: Orphanet 140162, MedGen C0027672, MeSH D009386, MONDO:0015356.
Hereditary breast ovarian cancer syndrome. Also called: Hereditary breast and ovarian cancer syndrome; Hereditary breast and ovarian cancer; Hereditary breast and ovarian cancer syndrome (HBOC); Breast and ovarian cancer; Hereditary breast and/or ovarian cancer syndrome; BRCA1- and BRCA2-Associated Hereditary Breast and Ovarian Cancer. Identifiers: Orphanet 145, MedGen C0677776, MeSH D061325, MONDO:0003582. Disease mechanism: loss of function.
Breast-ovarian cancer, familial, susceptibility to, 2 (BROVCA2). Also called: BRCA2 Hereditary Breast and Ovarian Cancer. Identifiers: Orphanet 145, MedGen C2675520, MONDO:0012933, OMIM 612555. Disease mechanism: loss of function.

Submissions (5):

Evidence-based Network for the Interpretation of Germline Mutant Alleles (ENIGMA)
Classification: Pathogenic for Breast-ovarian cancer, familial, susceptibility to, 2. Last evaluated: 2016-10-18. Review status: reviewed by expert panel. Criteria: ENIGMA BRCA1/2 Classification Criteria (2015). Collection method: curation. Allele origin: germline.
Comment: Variant allele predicted to encode a truncated non-functional protein.

Labcorp Genetics (formerly Invitae), Labcorp
Classification: Pathogenic for Hereditary breast ovarian cancer syndrome. Last evaluated: 2025-11-02. Review status: criteria provided, single submitter. Criteria: Invitae Variant Classification Sherloc (09022015). Collection method: clinical testing. Allele origin: germline. Not counted in ClinVar's aggregate classification.
Comment: This sequence change creates a premature translational stop signal (p.Phe1336Ilefs*2) in the BRCA2 gene. It is expected to result in an absent or disrupted protein product. Loss-of-function variants in BRCA2 are known to be pathogenic (PMID: 20104584). This variant is not present in population databases (gnomAD no frequency). This premature translational stop signal has been observed in individual(s) with a personal and/or family history of breast and/or ovarian cancer (PMID: 9150174, 24156927, 29446198, 29907814). This variant is also known as 4232insA. ClinVar contains an entry for this variant (Variation ID: 51581). For these reasons, this variant has been classified as Pathogenic.

Ambry Genetics
Classification: Pathogenic for Hereditary cancer-predisposing syndrome. Last evaluated: 2025-03-24. Review status: criteria provided, single submitter. Criteria: Ambry Variant Classification Scheme 2023. Collection method: clinical testing. Allele origin: germline. Not counted in ClinVar's aggregate classification.
Comment: The c.4005dupA pathogenic mutation, located in coding exon 10 of the BRCA2 gene, results from a duplication of A at nucleotide position 4005, causing a translational frameshift with a predicted alternate stop codon (p.F1336Ifs*2). This alteration has been reported in multiple large studies of BRCA1/2 mutation positive families (Tea MK et al. Maturitas, 2014 Jan;77:68-72; Palmero EI et al. Sci Rep, 2018 06;8:9188; Rebbeck TR et al. Hum. Mutat., 2018 05;39:593-620). In addition to the clinical data presented in the literature, this alteration is expected to result in loss of function by premature protein truncation or nonsense-mediated mRNA decay. As such, this alteration is interpreted as a disease-causing mutation.

Consortium of Investigators of Modifiers of BRCA1/2 (CIMBA), c/o University of Cambridge
Classification: Pathogenic for Breast-ovarian cancer, familial, susceptibility to, 2. Last evaluated: 2015-10-02. Review status: criteria provided, single submitter. Criteria: CIMBA Mutation Classification guidelines May 2016. Collection method: clinical testing. Allele origin: germline. Not counted in ClinVar's aggregate classification.

Research Molecular Genetics Laboratory, Women's College Hospital, University of Toronto
Classification: Pathogenic for Hereditary breast ovarian cancer syndrome. Last evaluated: 2014-01-31. Review status: no assertion criteria provided. Collection method: research. Allele origin: germline. Affected: yes. Study: The Canadian Open Genetics Repository (COGR). Not counted in ClinVar's aggregate classification.

Literature cited by the submitters: PubMed 20104584 (cited by Labcorp Genetics (formerly Invitae), Labcorp); PubMed 9150174 (cited by Labcorp Genetics (formerly Invitae), Labcorp and Ambry Genetics); PubMed 24156927 (cited by Labcorp Genetics (formerly Invitae), Labcorp and Ambry Genetics); PubMed 29446198 (cited by Labcorp Genetics (formerly Invitae), Labcorp and Ambry Genetics); PubMed 29907814 (cited by Labcorp Genetics (formerly Invitae), Labcorp and Ambry Genetics).

NM_000059.4(BRCA2):c.4005dup (p.Phe1336fs)

Gene: BRCA2 (BRCA2 DNA repair associated; plus strand). Cytogenetic location: 13q13.1.
Variant type: Duplication.
Coding change: c.4005dup on transcript NM_000059.4 (MANE Select); coding-DNA position 4005, one base duplicated (A; older notation c.4005dupA).
Protein change: p.Phe1336fs; shifts the reading frame from phenylalanine 1336.
Molecular consequence: frameshift variant.
Genome position (GRCh38, 1-based): chr13:32,338,360, A duplicated; the last of 2 consecutive A bases (chr13:32,338,359-32,338,360); duplicating either gives the same sequence. VCF-style (leftmost placement, unchanged base first): chr13-32338358-G-GA. GRCh37 (hg19) VCF-style: chr13-32912495-G-GA.
Other names: 4233insA; c.4005dupA (NM_000059.3); short protein forms F1336fs.
Identifiers: ClinVar variation 51581 (VCV000051581.17), dbSNP rs397507701, ClinGen allele CA019378.